The following is an entry in ClinVar:

NM_000235.4(LIPA):c.1097A>G (p.His366Arg)

Gene: LIPA (lipase A, lysosomal acid type; minus strand). Cytogenetic location: 10q23.31.
Variant type: single nucleotide variant.
Coding change: c.1097A>G on transcript NM_000235.4 (MANE Select); coding-DNA position 1097, A replaced by G.
Protein change: p.His366Arg; replaces histidine 366 with arginine.
Molecular consequence: missense variant.
Genome position (GRCh38, 1-based): chr10:89,214,931, T>C on the plus strand (A>G on the coding strand, the complement: LIPA is on the minus strand). VCF-style: chr10-89214931-T-C. GRCh37 (hg19) VCF-style: chr10-90974688-T-C.
Other names: c.1097A>G, p.His366Arg (NM_001127605.3); c.749A>G, p.His250Arg (NM_001288979.2); short protein forms H250R, H366R.
Identifiers: ClinVar variation 3538436 (VCV003538436.1).

ClinVar aggregate classification (germline): Uncertain significance (1 of 4 stars; one submission).

Conditions:
Cardiovascular phenotype. Identifiers: MedGen CN230736.

gnomAD v4.1: 2 of 1,614,118 alleles (0.00012%); highest among the groups gnomAD compares: East Asian, 0.0022%; no homozygotes.

Submission:

Ambry Genetics
Classification: Uncertain significance for Cardiovascular phenotype. Last evaluated: 2024-10-14. Review status: criteria provided, single submitter. Criteria: Ambry Variant Classification Scheme 2023. Collection method: clinical testing. Allele origin: germline.
Comment: The p.H366R variant (also known as c.1097A>G), located in coding exon 9 of the LIPA gene, results from an A to G substitution at nucleotide position 1097. The histidine at codon 366 is replaced by arginine, an amino acid with highly similar properties. This amino acid position is conserved. In addition, this alteration is predicted to be tolerated by in silico analysis. Based on the available evidence, the clinical significance of this variant remains unclear.